The following is an entry in ClinVar:

NM_003978.5(PSTPIP1):c.881C>T (p.Pro294Leu)

Gene: PSTPIP1 (proline-serine-threonine phosphatase interacting protein 1; plus strand). Cytogenetic location: 15q24.3.
Variant type: single nucleotide variant.
Coding change: c.881C>T on transcript NM_003978.5 (MANE Select); coding-DNA position 881, C replaced by T.
Protein change: p.Pro294Leu; replaces proline 294 with leucine.
Molecular consequence: missense variant. On other transcripts: intron variant (1).
Genome position (GRCh38, 1-based): chr15:77,032,904, C>T. VCF-style: chr15-77032904-C-T. GRCh37 (hg19) VCF-style: chr15-77325245-C-T.
Other names: c.854C>T, p.Pro285Leu (NM_001321136.2); c.1076C>T, p.Pro359Leu (NM_001321137.1); c.872+476C>T (NM_001321135.2); short protein forms P359L, P294L, P285L.
Identifiers: ClinVar variation 946803 (VCV000946803.9), dbSNP rs756411737, ClinGen allele CA7676058.

ClinVar aggregate classification (germline): Uncertain significance (1 of 4 stars; one submission).

Conditions:
Pyogenic arthritis-pyoderma gangrenosum-acne syndrome (PAPA). Also called: PAPA SYNDROME; FAMILIAL RECURRENT ARTHRITIS. Identifiers: Orphanet 69126, MedGen C1858361, MONDO:0011462, OMIM 604416.

Allele frequency attached by ClinVar (database versions not stated): gnomAD 0.00001; gnomAD exomes 0.00001 and 0.00003; ExAC 0.00003; TOPMed 0.00003.
gnomAD v4.1: 20 of 1,604,536 alleles (0.0012%); highest among the groups gnomAD compares: South Asian, 0.0089%; no homozygotes.

Submission:

Labcorp Genetics (formerly Invitae), Labcorp
Classification: Uncertain significance for Pyogenic arthritis-pyoderma gangrenosum-acne syndrome. Last evaluated: 2025-10-01. Review status: criteria provided, single submitter. Criteria: Invitae Variant Classification Sherloc (09022015). Collection method: clinical testing. Allele origin: germline.
Comment: This sequence change replaces proline, which is neutral and non-polar, with leucine, which is neutral and non-polar, at codon 294 of the PSTPIP1 protein (p.Pro294Leu). The frequency data for this variant in the population databases is considered unreliable, as metrics indicate poor data quality at this position in the gnomAD database. This variant has not been reported in the literature in individuals affected with PSTPIP1-related conditions. ClinVar contains an entry for this variant (Variation ID: 946803). Invitae Evidence Modeling of protein sequence and biophysical properties (such as structural, functional, and spatial information, amino acid conservation, physicochemical variation, residue mobility, and thermodynamic stability) indicates that this missense variant is not expected to disrupt PSTPIP1 protein function with a negative predictive value of 80%. In summary, the available evidence is currently insufficient to determine the role of this variant in disease. Therefore, it has been classified as a Variant of Uncertain Significance.